The following is an entry in ClinVar:

ClinVar aggregate classification (germline): Pathogenic. Review status: criteria provided, multiple submitters, no conflicts (2 of 4 stars). 5 submissions from 5 submitters: Pathogenic (4). 1 of the submissions does not count toward it. Last evaluated 2021-03-25.

Conditions:
Hereditary breast ovarian cancer syndrome. Also called: Hereditary breast and ovarian cancer syndrome (HBOC); Breast and ovarian cancer; Hereditary breast and ovarian cancer; BRCA1- and BRCA2-Associated Hereditary Breast and Ovarian Cancer; Hereditary breast and/or ovarian cancer syndrome; Hereditary breast and ovarian cancer syndrome. Identifiers: Orphanet 145, MedGen C0677776, MeSH D061325, MONDO:0003582. Disease mechanism: loss of function.
Hereditary cancer-predisposing syndrome. Also called: Tumor predisposition; Hereditary neoplastic syndrome; Neoplastic Syndromes, Hereditary; Hereditary Cancer Syndrome. Identifiers: Orphanet 140162, MedGen C0027672, MeSH D009386, MONDO:0015356.
Breast-ovarian cancer, familial, susceptibility to, 2 (BROVCA2). Also called: BRCA2 Hereditary Breast and Ovarian Cancer. Identifiers: Orphanet 145, MedGen C2675520, MONDO:0012933, OMIM 612555. Disease mechanism: loss of function.

Submissions (5):

Ambry Genetics
Classification: Pathogenic for Hereditary cancer-predisposing syndrome. Last evaluated: 2021-03-25. Review status: criteria provided, single submitter. Criteria: Ambry Variant Classification Scheme 2023. Collection method: clinical testing. Allele origin: germline.
Comment: The c.5925delT pathogenic mutation, located in coding exon 10 of the BRCA2 gene, results from a deletion of one nucleotide at nucleotide position 5925, causing a translational frameshift with a predicted alternate stop codon (p.C1975Wfs*29). This alteration has been reported in 1/1197 individuals from Greece, Romania, and Turkey undergoing evaluation for inherited cancer predisposition (Tsaousis GN et al. BMC Cancer, 2019 Jun;19:535). In addition to the clinical data presented in the literature, this alteration is expected to result in loss of function by premature protein truncation or nonsense-mediated mRNA decay. As such, this alteration is interpreted as a disease-causing mutation.

Quest Diagnostics Nichols Institute San Juan Capistrano
Classification: Pathogenic. Last evaluated: 2020-04-21. Review status: criteria provided, single submitter. Criteria: Quest Diagnostics criteria. Collection method: clinical testing. Allele origin: unknown.
Comment: The variant results in a shift of the reading frame, and is therefore predicted to result in the loss of a functional protein. Found in at least one patient with expected phenotype for this gene, and not found in general population data.

Labcorp Genetics (formerly Invitae), Labcorp
Classification: Pathogenic for Hereditary breast ovarian cancer syndrome. Last evaluated: 2020-02-22. Review status: criteria provided, single submitter. Criteria: Invitae Variant Classification Sherloc (09022015). Collection method: clinical testing. Allele origin: germline.
Comment: For these reasons, this variant has been classified as Pathogenic. Loss-of-function variants in BRCA2 are known to be pathogenic (PMID: 20104584). This variant has not been reported in the literature in individuals with BRCA2-related disease. ClinVar contains an entry for this variant (Variation ID: 495099). This variant is not present in population databases (ExAC no frequency). This sequence change creates a premature translational stop signal (p.Cys1975Trpfs*29) in the BRCA2 gene. It is expected to result in an absent or disrupted protein product.

GeneKor MSA
Classification: Pathogenic for Hereditary cancer-predisposing syndrome. Last evaluated: 2020-01-01. Review status: criteria provided, single submitter. Criteria: ACMG Guidelines, 2015. Collection method: clinical testing. Allele origin: germline. Affected: yes.
Comment: This variant is a single base pair deletion from exon 11 of the BRCA2 mRNA, causing a frameshift after codon 1975 and this creates a premature translational stop signal 29 amino acid residues later. This is expected to result in an absent or disrupted protein product.Truncating variants in BRCA2 are known to be pathogenic (PMID: 20104584). This variant has been described in the international literature in an individual undergoing panel testing for hereditary syndrome (PMID: 31159747). The mutation database ClinVar contains entries for this variant (Variation ID: 495099).

Counsyl
Classification: Likely pathogenic for Breast-ovarian cancer, familial, susceptibility to, 2. Last evaluated: 2017-10-13. Review status: no assertion criteria provided. Collection method: clinical testing. Allele origin: unknown. Not counted in ClinVar's aggregate classification.

Literature cited by the submitters: PubMed 31159747 (cited by Ambry Genetics and Quest Diagnostics Nichols Institute San Juan Capistrano); PubMed 20104584 (cited by Labcorp Genetics (formerly Invitae), Labcorp).

NM_000059.4(BRCA2):c.5925del (p.Cys1975fs)

Gene: BRCA2 (BRCA2 DNA repair associated; plus strand). Cytogenetic location: 13q13.1.
Variant type: Deletion.
Coding change: c.5925del on transcript NM_000059.4 (MANE Select); coding-DNA position 5925, one base deleted (T; older notation c.5925delT).
Protein change: p.Cys1975fs; shifts the reading frame from cysteine 1975.
Molecular consequence: frameshift variant.
Genome position (GRCh38, 1-based): chr13:32,340,280, T deleted. VCF-style (leftmost placement, unchanged base first): chr13-32340279-GT-G. GRCh37 (hg19) VCF-style: chr13-32914416-GT-G.
Other names: c.5925delT (NM_000059.3); short protein forms C1975fs.
Identifiers: ClinVar variation 495099 (VCV000495099.15), dbSNP rs1555284465, ClinGen allele CA658683862.
Genomic context (GRCh38, chr13:32,340,279, plus strand): 5'-CAGATATATGTAAATGTAGTATAGGGAAGCTTCATAAGTCAGTCTCATCTGCAAATACTT[GT>G]GGGATTTTTAGCACAGCAAGTGGAAAATCTGTCCAGGTATCAGATGCTTCATTACAAAAC-3'